The following is an entry in ClinVar:

NM_022124.6(CDH23):c.7144C>G (p.Arg2382Gly)

Gene: CDH23 (cadherin related 23; plus strand). Cytogenetic location: 10q22.1.
Variant type: single nucleotide variant.
Coding change: c.7144C>G on transcript NM_022124.6 (MANE Select); coding-DNA position 7144, C replaced by G.
Protein change: p.Arg2382Gly; replaces arginine 2382 with glycine.
Molecular consequence: missense variant.
Genome position (GRCh38, 1-based): chr10:71,799,200, C>G. VCF-style: chr10-71799200-C-G. GRCh37 (hg19) VCF-style: chr10-73558957-C-G.
Other names: c.424C>G, p.Arg142Gly (NM_001171933.1, NM_001171934.1); short protein forms R142G, R2382G.
Identifiers: ClinVar variation 2063548 (VCV002063548.2), dbSNP rs774081467, ClinGen allele CA377158813.

ClinVar aggregate classification (germline): Uncertain significance. Review status: criteria provided, multiple submitters, no conflicts (2 of 4 stars). 2 submissions from 2 submitters: Uncertain significance (2). Last evaluated 2022-10-26.

gnomAD v4.1: 2 of 1,613,926 alleles (0.00012%); highest among the groups gnomAD compares: Non-Finnish European, 0.00017%; no homozygotes.

Submissions (2):

Blueprint Genetics
Classification: Uncertain significance. Last evaluated: 2022-10-26. Review status: criteria provided, single submitter. Criteria: ACMG Guidelines, 2015. Collection method: clinical testing. Allele origin: germline.

Labcorp Genetics (formerly Invitae), Labcorp
Classification: Uncertain significance. Last evaluated: 2022-06-08. Review status: criteria provided, single submitter. Criteria: Invitae Variant Classification Sherloc (09022015). Collection method: clinical testing. Allele origin: germline.
Comment: This sequence change replaces arginine, which is basic and polar, with glycine, which is neutral and non-polar, at codon 2382 of the CDH23 protein (p.Arg2382Gly). This variant is not present in population databases (gnomAD no frequency). This missense change has been observed in individual(s) with deafness (Invitae). Algorithms developed to predict the effect of missense changes on protein structure and function are either unavailable or do not agree on the potential impact of this missense change (SIFT: "Deleterious"; PolyPhen-2: "Not Available"; Align-GVGD: "Class C65"). This variant disrupts the p.Arg2382 amino acid residue in CDH23. Other variant(s) that disrupt this residue have been observed in individuals with CDH23-related conditions (PMID: 28383030), which suggests that this may be a clinically significant amino acid residue. In summary, the available evidence is currently insufficient to determine the role of this variant in disease. Therefore, it has been classified as a Variant of Uncertain Significance.

Literature cited by the submitters: PubMed 28383030 (cited by Labcorp Genetics (formerly Invitae), Labcorp).